The following is an entry in ClinVar:

NM_032620.4(GTPBP3):c.473T>A (p.Val158Glu)

Gene: GTPBP3 (GTP binding protein 3, mitochondrial; plus strand). Cytogenetic location: 19p13.11.
Variant type: single nucleotide variant.
Coding change: c.473T>A on transcript NM_032620.4 (MANE Select); coding-DNA position 473, T replaced by A.
Protein change: p.Val158Glu; replaces valine 158 with glutamic acid.
Molecular consequence: missense variant.
Genome position (GRCh38, 1-based): chr19:17,338,623, T>A. VCF-style: chr19-17338623-T-A. GRCh37 (hg19) VCF-style: chr19-17449432-T-A.
Other names: c.473T>A, p.Val158Glu (NM_001128855.3, NM_133644.4); c.539T>A, p.Val180Glu (NM_001195422.1); short protein forms V158E, V180E.
Identifiers: ClinVar variation 2123637 (VCV002123637.4), dbSNP rs2513204232, ClinGen allele CA404733128.
Genomic context (GRCh38, chr19:17,338,623, plus strand): 5'-CGGAGGCAGGCGAGTTCACCAGACGGGCGTTCGCCAATGGGAAGCTGAACCTGACCGAAG[T>A]GGAGGGGCTGGCGGACCTTATCCACGCGGAAACAGAGGCGCAGCGGCGGCAGGCCCTCAG-3'
Protein context (NP_116009.2, residues 148-168): FANGKLNLTE[Val158Glu]EGLADLIHAE

ClinVar aggregate classification (germline): Uncertain significance (1 of 4 stars; one submission).

Submission:

Labcorp Genetics (formerly Invitae), Labcorp
Classification: Uncertain significance. Last evaluated: 2023-05-08. Review status: criteria provided, single submitter. Criteria: Invitae Variant Classification Sherloc (09022015). Collection method: clinical testing. Allele origin: germline.
Comment: In summary, the available evidence is currently insufficient to determine the role of this variant in disease. Therefore, it has been classified as a Variant of Uncertain Significance. Advanced modeling of protein sequence and biophysical properties (such as structural, functional, and spatial information, amino acid conservation, physicochemical variation, residue mobility, and thermodynamic stability) performed at Invitae indicates that this missense variant is expected to disrupt GTPBP3 protein function. ClinVar contains an entry for this variant (Variation ID: 2123637). This variant has not been reported in the literature in individuals affected with GTPBP3-related conditions. This variant is not present in population databases (gnomAD no frequency). This sequence change replaces valine, which is neutral and non-polar, with glutamic acid, which is acidic and polar, at codon 158 of the GTPBP3 protein (p.Val158Glu).